The following is an entry in ClinVar:

ClinVar aggregate classification (germline): Likely pathogenic. Review status: criteria provided, multiple submitters, no conflicts (2 of 4 stars). 2 submissions from 2 submitters: Likely pathogenic (2). Last evaluated 2026-04-10.

Conditions:
Hereditary cancer-predisposing syndrome. Also called: Tumor predisposition; Hereditary neoplastic syndrome; Neoplastic Syndromes, Hereditary; Hereditary Cancer Syndrome. Identifiers: Orphanet 140162, MedGen C0027672, MeSH D009386, MONDO:0015356.
Lynch syndrome 4 (LYNCH4). Also called: Colorectal cancer, hereditary nonpolyposis, type 4; Hereditary non-polyposis colorectal cancer, type 4. Identifiers: Orphanet 144, MedGen C1838333, MONDO:0013699, OMIM 614337. Disease mechanism: loss of function.

Submissions (2):

Ambry Genetics
Classification: Likely pathogenic for Hereditary cancer-predisposing syndrome. Last evaluated: 2026-04-10. Review status: criteria provided, single submitter. Criteria: Ambry Variant Classification Scheme 2023. Collection method: clinical testing. Allele origin: germline.
Comment: The p.M834T variant (also known as c.2501T>C), located in coding exon 15 of the PMS2 gene, results from a T to C substitution at nucleotide position 2501. The methionine at codon 834 is replaced by threonine, an amino acid with similar properties. In an assay testing PMS2 function, this variant showed a functionally abnormal result (Rayner E et al. Hum Mutat, 2022 Sep;43:1249-1258). This missense variant is located in a region that has a low rate of benign missense variation (Lek M et al. Nature. 2016 Aug 18;536(7616):285-91; DECIPHER: Database of Chromosomal Imbalance and Phenotype in Humans using Ensembl Resources. Firth H.V. et al. 2009. Am.J.Hum.Genet. 84, 524-533 (DOI)). This amino acid position is highly conserved in available vertebrate species. In addition, this alteration is predicted to be deleterious by in silico analysis. Based on the majority of available evidence to date, this variant is likely to be pathogenic.

Myriad Genetics, Inc.
Classification: Likely pathogenic for Lynch syndrome 4. Last evaluated: 2023-09-25. Review status: criteria provided, single submitter. Criteria: Myriad Autosomal Dominant, Autosomal Recessive and X-Linked Classification Criteria (2023). Collection method: clinical testing. Allele origin: unknown.
Comment: This variant is considered likely pathogenic. Functional studies indicate this variant impacts protein function [PMID: 35451539]. This variant is expected to disrupt protein structure [Myriad internal data].

Literature cited by the submitters: PubMed 35451539 (cited by Ambry Genetics and Myriad Genetics, Inc.).

NM_000535.7(PMS2):c.2501T>C (p.Met834Thr)

Gene: PMS2 (PMS1 homolog 2, mismatch repair system component; minus strand). Cytogenetic location: 7p22.1.
Variant type: single nucleotide variant.
Coding change: c.2501T>C on transcript NM_000535.7 (MANE Select); coding-DNA position 2501, T replaced by C.
Protein change: p.Met834Thr; replaces methionine 834 with threonine.
Molecular consequence: missense variant. On other transcripts: non-coding transcript variant (1).
Genome position (GRCh38, 1-based): chr7:5,973,487, A>G on the plus strand (T>C on the coding strand, the complement: PMS2 is on the minus strand). VCF-style: chr7-5973487-A-G. GRCh37 (hg19) VCF-style: chr7-6013118-A-G.
Other names: c.2096T>C, p.Met699Thr (NM_001018040.1, NM_001322003.2, NM_001322004.2 and 12 more transcripts); c.2345T>C, p.Met782Thr (NM_001322006.2); c.2183T>C, p.Met728Thr (NM_001322007.2, NM_001322008.2, NM_001406883.1); c.2129T>C, p.Met710Thr (NM_001322009.2, NM_001406887.1, NM_001406888.1); c.1940T>C, p.Met647Thr (NM_001322010.2, NM_001406906.1, NM_001406907.1); c.1568T>C, p.Met523Thr (NM_001322011.2, NM_001322012.2); c.2303T>C, p.Met768Thr (NM_001406873.1); c.2333T>C, p.Met778Thr (NM_001406874.1, NM_001406872.1); and 20 more; short protein forms M433T, M523T, M577T, M595T, M643T, M647T, M663T, M672T.
Identifiers: ClinVar variation 2674194 (VCV002674194.2), dbSNP rs2128658183, ClinGen allele CA366734924.
Genomic context (GRCh38, chr7:5,973,487, plus strand): 5'-GCGATGTGTCTCATGGTTGGCCTTCCATGGGGACAGTTCCAGGGGTGGTCCATCTCCCCC[A>G]TGTGGGTGATCAGTTTCTTCATCTCGCTTGTGTTAAGAGCAGTCCCAATCATCACCTGAG-3'
Protein context (NP_000526.2, residues 824-844): TSEMKKLITH[Met834Thr]GEMDHPWNCP